The following is an entry in ClinVar:

ClinVar aggregate classification (germline): Uncertain significance (1 of 4 stars; one submission).

Conditions:
Hereditary pheochromocytoma and paraganglioma. Also called: Hereditary paragangliomas and pheochromocytomas; Hereditary Paraganglioma-Pheochromocytoma Syndromes; Hereditary pheochromocytoma-paraganglioma. Identifiers: Orphanet 29072, MedGen C4274332, MONDO:0017366.

Submission:

Labcorp Genetics (formerly Invitae), Labcorp
Classification: Uncertain significance for Hereditary pheochromocytoma and paraganglioma. Last evaluated: 2022-01-17. Review status: criteria provided, single submitter. Criteria: Invitae Variant Classification Sherloc (09022015). Collection method: clinical testing. Allele origin: germline.
Comment: In summary, the available evidence is currently insufficient to determine the role of this variant in disease. Therefore, it has been classified as a Variant of Uncertain Significance. Algorithms developed to predict the effect of missense changes on protein structure and function (SIFT, PolyPhen-2, Align-GVGD) all suggest that this variant is likely to be tolerated. This variant has not been reported in the literature in individuals affected with TMEM127-related conditions. This variant is not present in population databases (gnomAD no frequency). This sequence change replaces histidine, which is basic and polar, with tyrosine, which is neutral and polar, at codon 55 of the TMEM127 protein (p.His55Tyr).

NM_017849.4(TMEM127):c.163C>T (p.His55Tyr)

Gene: TMEM127 (transmembrane protein 127; minus strand). Cytogenetic location: 2q11.2.
Variant type: single nucleotide variant.
Coding change: c.163C>T on transcript NM_017849.4 (MANE Select); coding-DNA position 163, C replaced by T.
Protein change: p.His55Tyr; replaces histidine 55 with tyrosine.
Molecular consequence: missense variant.
Genome position (GRCh38, 1-based): chr2:96,265,219, G>A on the plus strand (C>T on the coding strand, the complement: TMEM127 is on the minus strand). VCF-style: chr2-96265219-G-A. GRCh37 (hg19) VCF-style: chr2-96930957-G-A.
Other names: c.163C>T, p.His55Tyr (NM_001193304.3); short protein forms H55Y.
Identifiers: ClinVar variation 2173918 (VCV002173918.4), dbSNP rs2104307647, ClinGen allele CA347655989.